The following is an entry in ClinVar:

ClinVar aggregate classification (germline): Uncertain significance (1 of 4 stars; one submission).

Conditions:
TMEM117-related condition.

Submission:

PreventionGenetics, part of Exact Sciences
Classification: Uncertain significance for TMEM117-related condition. Last evaluated: 2025-04-29. Review status: criteria provided, single submitter. Criteria: ACMG Guidelines, 2015. Collection method: clinical testing. Allele origin: germline.
Comment: The TMEM117 c.565A>G variant is predicted to result in the amino acid substitution p.Arg189Gly. To our knowledge, this variant has not been reported in the literature or in a large population database (gnomAD), indicating this variant is rare. At this time, the clinical significance of this variant is uncertain due to the absence of conclusive functional and genetic evidence.

NM_032256.3(TMEM117):c.565A>G (p.Arg189Gly)

Gene: TMEM117 (transmembrane protein 117; plus strand). Cytogenetic location: 12q12.
Variant type: single nucleotide variant.
Coding change: c.565A>G on transcript NM_032256.3 (MANE Select); coding-DNA position 565, A replaced by G.
Protein change: p.Arg189Gly; replaces arginine 189 with glycine.
Molecular consequence: missense variant.
Genome position (GRCh38, 1-based): chr12:44,211,344, A>G. VCF-style: chr12-44211344-A-G. GRCh37 (hg19) VCF-style: chr12-44605127-A-G.
Other names: c.565A>G, p.Arg189Gly (NM_001286211.2); c.253A>G, p.Arg85Gly (NM_001286212.2); c.133A>G, p.Arg45Gly (NM_001286213.2); short protein forms R189G, R85G, R45G.
Identifiers: ClinVar variation 4998226 (VCV004998226.1).